The following is an entry in ClinVar:

NM_004006.3(DMD):c.7661-1656G>A

Gene: DMD (dystrophin; minus strand). Cytogenetic location: Xp21.1.
Variant type: single nucleotide variant.
Coding change: c.7661-1656G>A on transcript NM_004006.3 (MANE Select); 1656 bases into the intron before coding-DNA position 7661, G replaced by A.
Molecular consequence: intron variant.
Genome position (GRCh38, 1-based): chrX:31,681,242, C>T on the plus strand (G>A on the coding strand, the complement: DMD is on the minus strand). VCF-style: chrX-31681242-C-T. GRCh37 (hg19) VCF-style: chrX-31699359-C-T.
Other names: c.7637-1656G>A (NM_000109.4); c.3638-1656G>A (NM_004011.4); c.3629-1656G>A (NM_004012.4); c.281-1656G>A (NM_004023.3, NM_004020.4, NM_004022.3 and 2 more transcripts); c.7649-1656G>A (NM_004009.3); c.7292-1656G>A (NM_004010.3).
Identifiers: ClinVar variation 3044946 (VCV003044946.2), dbSNP rs966934932, ClinGen allele CA328462624.

ClinVar aggregate classification (germline): Likely benign (0 of 4 stars; one submission).

Conditions:
DMD-related disorder. Also called: DMD-related condition.

Allele frequency attached by ClinVar (database versions not stated): gnomAD 0.00001; TOPMed 0.00002.
gnomAD v4.1: 1 of 112,157 alleles (0.00089%); highest among the groups gnomAD compares: African/African-American, 0.0032%; no homozygotes.

Submission:

PreventionGenetics, part of Exact Sciences
Classification: Likely benign for DMD-related condition. Last evaluated: 2023-12-19. Review status: no assertion criteria provided. Collection method: clinical testing. Allele origin: germline.
Comment: This variant is classified as likely benign based on ACMG/AMP sequence variant interpretation guidelines (Richards et al. 2015 PMID: 25741868, with internal and published modifications).